The following is an entry in ClinVar:

ClinVar aggregate classification (germline): Uncertain significance (1 of 4 stars; one submission).

Conditions:
Cone-rod dystrophy 6 (CORD6). Also called: Cone dystrophy progressive; RETINAL CONE DYSTROPHY 2. Identifiers: Orphanet 1872, MedGen C1866293, MONDO:0011143, OMIM 601777.
Leber congenital amaurosis 1 (LCA1). Also called: AMAUROSIS CONGENITA OF LEBER I; Congenital absence of the rods and cones; Leber's congenital tapetoretinal degeneration; Leber's congenital tapetoretinal dysplasia; RETINAL BLINDNESS, CONGENITAL. Identifiers: Orphanet 65, MedGen C2931258, MONDO:0008764, OMIM 204000.

Allele frequency attached by ClinVar (database versions not stated): gnomAD exomes below 0.00001; ExAC 0.00001.

Submission:

Labcorp Genetics (formerly Invitae), Labcorp
Classification: Uncertain significance for Leber congenital amaurosis 1; Cone-rod dystrophy 6. Last evaluated: 2021-11-30. Review status: criteria provided, single submitter. Criteria: Invitae Variant Classification Sherloc (09022015). Collection method: clinical testing. Allele origin: germline.
Comment: This sequence change replaces valine, which is neutral and non-polar, with isoleucine, which is neutral and non-polar, at codon 354 of the GUCY2D protein (p.Val354Ile). This variant is present in population databases (rs758931689, gnomAD 0.008%). This variant has not been reported in the literature in individuals affected with GUCY2D-related conditions. ClinVar contains an entry for this variant (Variation ID: 1058298). Algorithms developed to predict the effect of missense changes on protein structure and function output the following: SIFT: "Tolerated"; PolyPhen-2: "Benign"; Align-GVGD: "Class C0". The isoleucine amino acid residue is found in multiple mammalian species, which suggests that this missense change does not adversely affect protein function. In summary, the available evidence is currently insufficient to determine the role of this variant in disease. Therefore, it has been classified as a Variant of Uncertain Significance.

NM_000180.4(GUCY2D):c.1060G>A (p.Val354Ile)

Gene: GUCY2D (guanylate cyclase 2D, retinal; plus strand). Cytogenetic location: 17p13.1.
Variant type: single nucleotide variant.
Coding change: c.1060G>A on transcript NM_000180.4 (MANE Select); coding-DNA position 1060, G replaced by A.
Protein change: p.Val354Ile; replaces valine 354 with isoleucine.
Molecular consequence: missense variant.
Genome position (GRCh38, 1-based): chr17:8,006,396, G>A. VCF-style: chr17-8006396-G-A. GRCh37 (hg19) VCF-style: chr17-7909714-G-A.
Other names: short protein forms V354I.
Identifiers: ClinVar variation 1058298 (VCV001058298.4), dbSNP rs758931689, ClinGen allele CA8365643.